The following is an entry in ClinVar:

ClinVar aggregate classification (germline): Conflicting classifications of pathogenicity. Review status: criteria provided, conflicting classifications (1 of 4 stars). 16 submissions from 16 submitters: Uncertain significance (2); Benign (2); Likely benign (8). 4 of the submissions do not count toward it. Last evaluated 2026-09-01.

Conditions:
POLG-related disorder. Also called: POLG-related condition; POLG-Related Disorders; POLG-Related Spectrum Disorders. Identifiers: MedGen C4763519.
Inborn genetic diseases. Identifiers: MedGen C0950123, MeSH D030342.
Progressive sclerosing poliodystrophy (MTDPS4A). Also called: Alpers-Huttenlocher Syndrome (AHS); NEURONAL DEGENERATION OF CHILDHOOD WITH LIVER DISEASE, PROGRESSIVE; ALPERS DIFFUSE DEGENERATION OF CEREBRAL GRAY MATTER WITH HEPATIC CIRRHOSIS; Alpers-Huttenlocher Syndrome; ALPERS PROGRESSIVE INFANTILE POLIODYSTROPHY; Alpers Syndrome. Identifiers: Orphanet 726, MedGen C0205710, MONDO:0008758, OMIM 203700.
Sensory ataxic neuropathy, dysarthria, and ophthalmoparesis (SANDO). Also called: Sensory ataxic neuropathy-dysarthria-ophthalmoparesis syndrome; Epilepsy, progressive myoclonic, type 5; SENSORY ATAXIC NEUROPATHY WITH MITOCHONDRIAL DNA DELETIONS, AUTOSOMAL RECESSIVE; Ataxia Neuropathy Spectrum (ANS). Identifiers: Orphanet 70595, MedGen C1843851, MONDO:0011835, OMIM 607459.
Progressive external ophthalmoplegia with mitochondrial DNA deletions, autosomal dominant 1 (PEOA1). Also called: Autosomal Dominant Progressive External Ophthalmoplegia (adPEO); PROGRESSIVE EXTERNAL OPHTHALMOPLEGIA, AUTOSOMAL DOMINANT 1. Identifiers: MedGen C1834846, MONDO:0024528, OMIM 157640.
Progressive external ophthalmoplegia with mitochondrial DNA deletions, autosomal recessive 1 (PEOB1). Also called: Autosomal Recessive Progressive External Ophthalmoplegia (arPEO); Progressive external ophthalmoplegia, autosomal recessive 1. Identifiers: Orphanet 254886, MedGen C4225153, MONDO:0009783, OMIM 258450.
Mitochondrial DNA depletion syndrome 1. Also called: Mitochondrial Neurogastrointestinal Encephalopathy Disease; MITOCHONDRIAL NEUROGASTROINTESTINAL ENCEPHALOPATHY SYNDROME, TYMP-RELATED; MNGIE, TYMP-RELATED; POLIP SYNDROME; POLYNEUROPATHY, OPHTHALMOPLEGIA, LEUKOENCEPHALOPATHY, AND INTESTINAL PSEUDOOBSTRUCTION; Mitochondrial neurogastrointestinal encephalomyopathy syndrome. Identifiers: Orphanet 298, MedGen C4551995, MONDO:0011283, OMIM 603041.
Mitochondrial DNA depletion syndrome 4b. Also called: Mitochondrial Neurogastrointestinal Encephalopathy Disease, POLG-Related; MNGIE, POLG-RELATED. Identifiers: Orphanet 298, MedGen C3150914, MONDO:0013350, OMIM 613662.
Hereditary spastic paraplegia. Also called: Familial spastic paraparesis. Identifiers: Orphanet 685, MedGen C0037773, MONDO:0019064. Disease mechanism: loss of function.

Allele frequency attached by ClinVar (database versions not stated): 1000 Genomes Project 30x 0.00047; 1000 Genomes Project 0.00060; TOPMed 0.00109; ESP Exome Variant Server 0.00115; ExAC 0.00162; gnomAD exomes 0.00173 and 0.00208; gnomAD 0.00182 and 0.00194.
gnomAD v4.1: 3,277 of 1,613,692 alleles (0.2%); highest among the groups gnomAD compares: Non-Finnish European, 0.22%; 7 homozygotes.

Submissions (16):

CeGaT Center for Human Genetics Tuebingen
Classification: Benign. Last evaluated: 2026-09-01. Review status: criteria provided, single submitter. Criteria: CeGaT Center For Human Genetics Tuebingen Variant Classification Criteria Version 2. Collection method: clinical testing. Allele origin: germline. Affected: yes. Observed: 20 variant alleles.
Comment: POLG: BS1, BS2

Labcorp Genetics (formerly Invitae), Labcorp
Classification: Likely benign for Progressive sclerosing poliodystrophy. Last evaluated: 2026-01-28. Review status: criteria provided, single submitter. Criteria: Invitae Variant Classification Sherloc (09022015). Collection method: clinical testing. Allele origin: germline.

Mayo Clinic Laboratories, Mayo Clinic
Classification: Likely benign. Last evaluated: 2025-11-03. Review status: criteria provided, single submitter. Criteria: ACMG Guidelines, 2015. Collection method: clinical testing. Allele origin: germline. Observed: 9 variant alleles.
Comment: BS1, BP2, PP3

Athena Diagnostics
Classification: Likely benign. Last evaluated: 2025-07-25. Review status: criteria provided, single submitter. Criteria: Athena Diagnostics Criteria. Collection method: clinical testing. Allele origin: unknown.
Comment: The frequency of this variant in the general population is higher than would generally be expected for pathogenic variants in this gene. This variant has been seen where an alternate explanation for disease was also identified.

Blueprint Genetics
Classification: Likely benign. Last evaluated: 2024-11-08. Review status: criteria provided, single submitter. Criteria: ACMG Guidelines, 2015. Collection method: clinical testing. Allele origin: germline.

Genome Diagnostics Laboratory, The Hospital for Sick Children
Classification: Uncertain significance for Hereditary spastic paraplegia. Last evaluated: 2020-09-29. Review status: criteria provided, single submitter. Criteria: ACMG Guidelines, 2015. Collection method: clinical testing. Allele origin: germline. Affected: yes.

GeneDx
Classification: Likely benign. Last evaluated: 2020-09-24. Review status: criteria provided, single submitter. Criteria: GeneDx Variant Classification Process June 2021. Collection method: clinical testing. Allele origin: germline. Affected: yes.
Comment: In silico analysis supports that this missense variant has a deleterious effect on protein structure/function; Observed in 0.1774% (501/282492 alleles) in large population cohorts (Lek et al., 2016); This variant is associated with the following publications: (PMID: 18546365, 31669236, 20434700, 25462018, 21880868, 25118206, 17846414, 23251356, 29341116)

Ambry Genetics
Classification: Likely benign for Inborn genetic diseases. Last evaluated: 2018-12-07. Review status: criteria provided, single submitter. Criteria: Ambry Variant Classification Scheme 2023. Collection method: clinical testing. Allele origin: germline.

Wong Mito Lab, Molecular and Human Genetics, Baylor College of Medicine
Classification: Likely benign for Progressive sclerosing poliodystrophy. Last evaluated: 2018-10-01. Review status: criteria provided, single submitter. Criteria: ACMG Guidelines, 2015. Collection method: clinical testing. Allele origin: germline.
Comment: The NM_002693.2:c.1174C>G (NP_002684.1:p.Leu392Val) [GRCH38: NC_000015.10:g.89328532G>C] variant in POLG gene is interpretated to be a Likely Benign based on ACMG guidelines (PMID: 25741868). This variant has been reported in PMID:20434700 ; 21880868 . This variant meets the following evidence codes reported in the ACMG-guideline. BP2:The variant is observed in trans/cis with a dominant variant. BP4:Computational evidence/predictors indicate no impact on the POLG structure, function, or protein-protein interaction. Based on the evidence criteria codes applied, the variant is suggested to be Likely Benign.

Eurofins Ntd Llc (ga)
Classification: Likely benign. Last evaluated: 2018-04-10. Review status: criteria provided, single submitter. Criteria: EGL ClinVar v180209 classification definitions. Collection method: clinical testing. Allele origin: germline. Observed: 8 variant alleles, 8 heterozygotes.

Fulgent Genetics
Classification: Uncertain significance for Progressive external ophthalmoplegia with mitochondrial DNA deletions, autosomal dominant 1; Progressive sclerosing poliodystrophy; Progressive external ophthalmoplegia with mitochondrial DNA deletions, autosomal recessive 1; Mitochondrial DNA depletion syndrome 1; Sensory ataxic neuropathy, dysarthria, and ophthalmoparesis; Mitochondrial DNA depletion syndrome 4b. Last evaluated: 2017-05-23. Review status: criteria provided, single submitter. Criteria: ACMG Guidelines, 2015. Collection method: clinical testing. Allele origin: unknown.

Illumina Laboratory Services, Illumina
Classification: Benign for POLG-Related Spectrum Disorders. Last evaluated: 2017-04-27. Review status: criteria provided, single submitter. Criteria: ICSL Variant Classification Criteria 13 December 2019. Collection method: clinical testing. Allele origin: germline.
Comment: This variant was observed as part of a predisposition screen in an ostensibly healthy population. A literature search was performed for the gene, cDNA change, and amino acid change (where applicable). Publications were found based on this search. The evidence from the literature, in combination with allele frequency data from public databases where available, was sufficient to rule this variant out of causing disease. Therefore, this variant is classified as benign.

PreventionGenetics, part of Exact Sciences
Classification: Likely benign for POLG-related condition. Last evaluated: 2022-04-22. Review status: no assertion criteria provided. Collection method: clinical testing. Allele origin: germline. Not counted in ClinVar's aggregate classification.
Comment: This variant is classified as likely benign based on ACMG/AMP sequence variant interpretation guidelines (Richards et al. 2015 PMID: 25741868, with internal and published modifications).

Clinical Genetics DNA and cytogenetics Diagnostics Lab, Erasmus MC, Erasmus Medical Center
Classification: Uncertain significance. Review status: no assertion criteria provided. Collection method: clinical testing. Allele origin: germline. Affected: yes. Study: VKGL Data-share Consensus. Not counted in ClinVar's aggregate classification.

Diagnostic Laboratory, Department of Genetics, University Medical Center Groningen
Classification: Uncertain significance. Review status: no assertion criteria provided. Collection method: clinical testing. Allele origin: germline. Affected: yes. Study: VKGL Data-share Consensus. Not counted in ClinVar's aggregate classification.

Joint Genome Diagnostic Labs from Nijmegen and Maastricht, Radboudumc and MUMC+
Classification: Uncertain significance. Review status: no assertion criteria provided. Collection method: clinical testing. Allele origin: germline. Affected: yes. Study: VKGL Data-share Consensus. Not counted in ClinVar's aggregate classification.

Literature cited by the submitters: PubMed 17846414 (cited by 3 submitters); PubMed 18546365 (cited by 4 submitters); PubMed 20434700 (cited by 5 submitters); PubMed 21880868 (cited by 4 submitters); PubMed 23251356 (cited by 3 submitters); PubMed 25118206 (cited by Mayo Clinic Laboratories, Mayo Clinic); PubMed 25462018 (cited by Mayo Clinic Laboratories, Mayo Clinic and Ambry Genetics); PubMed 27119776 (cited by Mayo Clinic Laboratories, Mayo Clinic and Ambry Genetics); PubMed 28444220 (cited by Mayo Clinic Laboratories, Mayo Clinic); PubMed 31669236 (cited by Mayo Clinic Laboratories, Mayo Clinic); PubMed 33473333 (cited by Mayo Clinic Laboratories, Mayo Clinic); PubMed 34273558 (cited by Mayo Clinic Laboratories, Mayo Clinic).

NM_002693.3(POLG):c.1174C>G (p.Leu392Val)

Gene: POLG (DNA polymerase gamma, catalytic subunit; minus strand). Cytogenetic location: 15q26.1.
Variant type: single nucleotide variant.
Coding change: c.1174C>G on transcript NM_002693.3 (MANE Select); coding-DNA position 1174, C replaced by G.
Protein change: p.Leu392Val; replaces leucine 392 with valine.
Molecular consequence: missense variant.
Genome position (GRCh38, 1-based): chr15:89,328,532, G>C on the plus strand (C>G on the coding strand, the complement: POLG is on the minus strand). VCF-style: chr15-89328532-G-C. GRCh37 (hg19) VCF-style: chr15-89871763-G-C.
Other names: p.L392V:CTG>GTG; c.1174C>G, p.Leu392Val (NM_001126131.2); short protein forms L392V.
Identifiers: ClinVar variation 198151 (VCV000198151.72), dbSNP rs145289229, ClinGen allele CA246660.